The following is an entry in ClinVar:

ClinVar aggregate classification (germline): Uncertain significance (1 of 4 stars; one submission).

Conditions:
Inborn genetic diseases. Identifiers: MedGen C0950123, MeSH D030342.

gnomAD v4.1: 2 of 1,613,604 alleles (0.00012%); highest among the groups gnomAD compares: Non-Finnish European, 0.00017%; no homozygotes.

Submission:

Ambry Genetics
Classification: Uncertain significance for Inborn genetic diseases. Last evaluated: 2024-12-10. Review status: criteria provided, single submitter. Criteria: Ambry Variant Classification Scheme 2023. Collection method: clinical testing. Allele origin: germline.
Comment: The p.K1220E variant (also known as c.3658A>G), located in coding exon 1 of the SAMD9 gene, results from an A to G substitution at nucleotide position 3658. The lysine at codon 1220 is replaced by glutamic acid, an amino acid with similar properties. This amino acid position is conserved. In addition, this alteration is predicted to be tolerated by in silico analysis. Based on the available evidence, the clinical significance of this variant remains unclear.

NM_017654.4(SAMD9):c.3658A>G (p.Lys1220Glu)

Gene: SAMD9 (sterile alpha motif domain containing 9; minus strand). Cytogenetic location: 7q21.2.
Variant type: single nucleotide variant.
Coding change: c.3658A>G on transcript NM_017654.4 (MANE Select); coding-DNA position 3658, A replaced by G.
Protein change: p.Lys1220Glu; replaces lysine 1220 with glutamic acid.
Molecular consequence: missense variant.
Genome position (GRCh38, 1-based): chr7:93,102,440, T>C on the plus strand (A>G on the coding strand, the complement: SAMD9 is on the minus strand). VCF-style: chr7-93102440-T-C. GRCh37 (hg19) VCF-style: chr7-92731753-T-C.
Other names: c.3658A>G, p.Lys1220Glu (NM_001193307.2); short protein forms K1220E.
Identifiers: ClinVar variation 3437112 (VCV003437112.1).